The following is an entry in ClinVar:

ClinVar aggregate classification (germline): Uncertain significance (1 of 4 stars; one submission).

Conditions:
Hajdu-Cheney syndrome (HJCYS). Also called: SERPENTINE FIBULA-POLYCYSTIC KIDNEY SYNDROME; ACROOSTEOLYSIS WITH OSTEOPOROSIS AND CHANGES IN SKULL AND MANDIBLE; Acroosteolysis dominant type. Identifiers: Orphanet 955, MedGen C0917715, MONDO:0007057, OMIM 102500.

Submission:

Labcorp Genetics (formerly Invitae), Labcorp
Classification: Uncertain significance for Hajdu-Cheney syndrome. Last evaluated: 2024-03-04. Review status: criteria provided, single submitter. Criteria: Invitae Variant Classification Sherloc (09022015). Collection method: clinical testing. Allele origin: germline.
Comment: This sequence change replaces leucine, which is neutral and non-polar, with methionine, which is neutral and non-polar, at codon 1695 of the NOTCH2 protein (p.Leu1695Met). This variant is not present in population databases (gnomAD no frequency). This variant has not been reported in the literature in individuals affected with NOTCH2-related conditions. Advanced modeling of protein sequence and biophysical properties (such as structural, functional, and spatial information, amino acid conservation, physicochemical variation, residue mobility, and thermodynamic stability) performed at Invitae indicates that this missense variant is not expected to disrupt NOTCH2 protein function with a negative predictive value of 80%. In summary, the available evidence is currently insufficient to determine the role of this variant in disease. Therefore, it has been classified as a Variant of Uncertain Significance.

NM_024408.4(NOTCH2):c.5083C>A (p.Leu1695Met)

Gene: NOTCH2 (notch receptor 2; minus strand). Cytogenetic location: 1p12.
Variant type: single nucleotide variant.
Coding change: c.5083C>A on transcript NM_024408.4 (MANE Select); coding-DNA position 5083, C replaced by A.
Protein change: p.Leu1695Met; replaces leucine 1695 with methionine.
Molecular consequence: missense variant.
Genome position (GRCh38, 1-based): chr1:119,922,366, G>T on the plus strand (C>A on the coding strand, the complement: NOTCH2 is on the minus strand). VCF-style: chr1-119922366-G-T. GRCh37 (hg19) VCF-style: chr1-120464989-G-T.
Other names: short protein forms L1695M.
Identifiers: ClinVar variation 3615782 (VCV003615782.2).